The following is an entry in ClinVar:

NM_002972.4(SBF1):c.4972C>T (p.Arg1658Cys)

Gene: SBF1 (SET binding factor 1; minus strand). Cytogenetic location: 22q13.33.
Variant type: single nucleotide variant.
Coding change: c.4972C>T on transcript NM_002972.4 (MANE Select); coding-DNA position 4972, C replaced by T.
Protein change: p.Arg1658Cys; replaces arginine 1658 with cysteine.
Molecular consequence: missense variant.
Genome position (GRCh38, 1-based): chr22:50,454,583, G>A on the plus strand (C>T on the coding strand, the complement: SBF1 is on the minus strand). VCF-style: chr22-50454583-G-A. GRCh37 (hg19) VCF-style: chr22-50893012-G-A.
Other names: c.4897C>T, p.Arg1633Cys (NM_001365819.1); c.4975C>T, p.Arg1659Cys (NM_001410794.1); c.4894C>T, p.Arg1632Cys (NM_001410795.1); short protein forms R1632C, R1633C, R1658C, R1659C.
Identifiers: ClinVar variation 3340248 (VCV003340248.2).
Genomic context (GRCh38, chr22:50,454,583, plus strand): 5'-GTGAGATGGCGTCAGGCTGGGCCCGCGGGCAGCTGTCGTAACAGGGCCACACCACGCGGC[G>A]CCTGCTCTGGGGAGCGCCTCCATCAGACCGTTCTTCCTCTGGGGGTTCAGGGGGCCCCTG-3'
Protein context (NP_002963.2, residues 1648-1668): RSDGGAPQSR[Arg1658Cys]RVVWPCYDSC

ClinVar aggregate classification (germline): Uncertain significance. Review status: criteria provided, multiple submitters, no conflicts (2 of 4 stars). 2 submissions from 2 submitters: Uncertain significance (2). Last evaluated 2025-05-01.

gnomAD v4.1: 12 of 1,611,232 alleles (0.00074%); highest among the groups gnomAD compares: African/African-American, 0.0013%; no homozygotes.

Submissions (2):

Ambry Genetics
Classification: Uncertain significance. Last evaluated: 2025-05-01. Review status: criteria provided, single submitter. Criteria: Ambry Variant Classification Scheme 2023. Collection method: clinical testing. Allele origin: germline.

GeneDx
Classification: Uncertain significance. Last evaluated: 2024-01-23. Review status: criteria provided, single submitter. Criteria: GeneDx Variant Classification Process June 2021. Collection method: clinical testing. Allele origin: germline. Affected: yes.
Comment: Not observed at significant frequency in large population cohorts (gnomAD); In silico analysis supports that this missense variant has a deleterious effect on protein structure/function; Has not been previously published as pathogenic or benign to our knowledge